The following is an entry in ClinVar:

ClinVar aggregate classification (germline): Uncertain significance (1 of 4 stars; one submission).

Conditions:
GNE myopathy (NM). Also called: IBM 2; Inclusion body myopathy autosomal recessive; Inclusion body myopathy quadriceps sparing; NONAKA DISTAL MYOPATHY; INCLUSION BODY MYOPATHY, HEREDITARY, AUTOSOMAL RECESSIVE; INCLUSION BODY MYOPATHY 2, AUTOSOMAL RECESSIVE. Identifiers: Orphanet 602, MedGen C1853926, MONDO:0011603, OMIM 605820.

Submission:

Neuberg Centre For Genomic Medicine, NCGM
Classification: Uncertain significance for GNE myopathy. Review status: criteria provided, single submitter. Criteria: ACMG Guidelines, 2015. Collection method: clinical testing. Allele origin: germline. Inheritance: Autosomal recessive inheritance. Affected: yes.
Comment: The missense variant c.1768T>Ap.Tyr590Asn in GNE gene has not been reported previously as a pathogenic variant nor as a benign variant, to our knowledge. The p.Tyr590Asn variant is novel not in any individuals in gnomAD Exomes and 1000 Genomes. This variant has not been reported to the ClinVar database. The amino acid change p.Tyr590Asn in GNE is predicted as conserved by GERP++ and PhyloP across 100 vertebrates. The amino acid Tyr at position 590 is changed to a Asn changing protein sequence and it might alter its composition and physico-chemical properties. For these reasons, this variant has been classified as Uncertain Significance VUS..

NM_005476.7(GNE):c.1768T>A (p.Tyr590Asn)

Gene: GNE (glucosamine (UDP-N-acetyl)-2-epimerase/N-acetylmannosamine kinase; minus strand). Cytogenetic location: 9p13.3.
Variant type: single nucleotide variant.
Coding change: c.1768T>A on transcript NM_005476.7 (MANE Select); coding-DNA position 1768, T replaced by A.
Protein change: p.Tyr590Asn; replaces tyrosine 590 with asparagine.
Molecular consequence: missense variant.
Genome position (GRCh38, 1-based): chr9:36,219,886, A>T on the plus strand (T>A on the coding strand, the complement: GNE is on the minus strand). VCF-style: chr9-36219886-A-T. GRCh37 (hg19) VCF-style: chr9-36219883-A-T.
Other names: c.1861T>A, p.Tyr621Asn (NM_001128227.3); c.1546T>A, p.Tyr516Asn (NM_001190383.3); c.1438T>A, p.Tyr480Asn (NM_001190384.3); c.1591T>A, p.Tyr531Asn (NM_001190388.2, NM_001374798.1); c.1615T>A, p.Tyr539Asn (NM_001374797.1); short protein forms Y480N, Y516N, Y531N, Y539N, Y590N, Y621N.
Identifiers: ClinVar variation 3235048 (VCV003235048.1), dbSNP rs2133006452, ClinGen allele CA373425571.